The following is an entry in ClinVar:

NM_001365999.1(SZT2):c.8869C>T (p.Arg2957Ter)

Gene: SZT2 (SZT2 subunit of KICSTOR complex; plus strand). Cytogenetic location: 1p34.2.
Variant type: single nucleotide variant.
Coding change: c.8869C>T on transcript NM_001365999.1 (MANE Select); coding-DNA position 8869, C replaced by T.
Protein change: p.Arg2957Ter; replaces arginine 2957 with a stop codon.
Molecular consequence: nonsense.
Genome position (GRCh38, 1-based): chr1:43,445,937, C>T. VCF-style: chr1-43445937-C-T. GRCh37 (hg19) VCF-style: chr1-43911608-C-T.
Other names: c.8698C>T, p.Arg2900Ter (NM_015284.4); short protein forms R2900*, R2957*.
Identifiers: ClinVar variation 1076278 (VCV001076278.7), dbSNP rs746704533, ClinGen allele CA810727.

ClinVar aggregate classification (germline): Pathogenic (1 of 4 stars; one submission).

Allele frequency attached by ClinVar (database versions not stated): ExAC 0.00001; gnomAD exomes 0.00001.
gnomAD v4.1: 13 of 1,614,234 alleles (0.00081%); highest among the groups gnomAD compares: Non-Finnish European, 0.0011%; no homozygotes.

Submission:

Labcorp Genetics (formerly Invitae), Labcorp
Classification: Pathogenic. Last evaluated: 2020-09-21. Review status: criteria provided, single submitter. Criteria: Invitae Variant Classification Sherloc (09022015). Collection method: clinical testing. Allele origin: germline.
Comment: For these reasons, this variant has been classified as Pathogenic. Loss-of-function variants in SZT2 are known to be pathogenic (PMID: 23932106, 27248490, 28556953). This variant has not been reported in the literature in individuals with SZT2-related conditions. This variant is present in population databases (rs746704533, ExAC 0.001%). This sequence change creates a premature translational stop signal (p.Arg2900*) in the SZT2 gene. It is expected to result in an absent or disrupted protein product.

Literature cited by the submitters: PubMed 23932106; PubMed 27248490; PubMed 28556953.